The following is an entry in ClinVar:

NM_005751.5(AKAP9):c.1250A>G (p.Asp417Gly)

Gene: AKAP9 (A-kinase anchoring protein 9; plus strand). Cytogenetic location: 7q21.2.
Variant type: single nucleotide variant.
Coding change: c.1250A>G on transcript NM_005751.5 (MANE Select); coding-DNA position 1250, A replaced by G.
Protein change: p.Asp417Gly; replaces aspartic acid 417 with glycine.
Molecular consequence: missense variant.
Genome position (GRCh38, 1-based): chr7:92,001,167, A>G. VCF-style: chr7-92001167-A-G. GRCh37 (hg19) VCF-style: chr7-91630481-A-G.
Other names: c.1250A>G, p.Asp417Gly (NM_147185.3); short protein forms D417G.
Identifiers: ClinVar variation 1466524 (VCV001466524.6), dbSNP rs763158801, ClinGen allele CA368121354.

ClinVar aggregate classification (germline): Uncertain significance (1 of 4 stars; one submission).

Conditions:
Long QT syndrome (LQTS). Identifiers: MedGen C0023976, MeSH D008133, MONDO:0002442. Disease mechanism: loss of function. Inheritance: Various modes of inheritance.

Submission:

Labcorp Genetics (formerly Invitae), Labcorp
Classification: Uncertain significance for Long QT syndrome. Last evaluated: 2021-08-27. Review status: criteria provided, single submitter. Criteria: Invitae Variant Classification Sherloc (09022015). Collection method: clinical testing. Allele origin: germline.
Comment: In summary, the available evidence is currently insufficient to determine the role of this variant in disease. Therefore, it has been classified as a Variant of Uncertain Significance. Algorithms developed to predict the effect of sequence changes on RNA splicing suggest that this variant may create or strengthen a splice site. Algorithms developed to predict the effect of missense changes on protein structure and function output the following: SIFT: "Tolerated"; PolyPhen-2: "Benign"; Align-GVGD: "Class C0". The glycine amino acid residue is found in multiple mammalian species, which suggests that this missense change does not adversely affect protein function. This variant has not been reported in the literature in individuals affected with AKAP9-related conditions. This variant is not present in population databases (ExAC no frequency). This sequence change replaces aspartic acid with glycine at codon 417 of the AKAP9 protein (p.Asp417Gly). The aspartic acid residue is moderately conserved and there is a moderate physicochemical difference between aspartic acid and glycine.